The following is an entry in ClinVar:

NM_198578.4(LRRK2):c.6680T>C (p.Ile2227Thr)

Gene: LRRK2 (leucine rich repeat kinase 2; plus strand). Cytogenetic location: 12q12.
Variant type: single nucleotide variant.
Coding change: c.6680T>C on transcript NM_198578.4 (MANE Select); coding-DNA position 6680, T replaced by C.
Protein change: p.Ile2227Thr; replaces isoleucine 2227 with threonine.
Molecular consequence: missense variant.
Genome position (GRCh38, 1-based): chr12:40,354,402, T>C. VCF-style: chr12-40354402-T-C. GRCh37 (hg19) VCF-style: chr12-40748204-T-C.
Other names: short protein forms I2227T.
Identifiers: ClinVar variation 1754857 (VCV001754857.3), dbSNP rs760328533, ClinGen allele CA235346063.

ClinVar aggregate classification (germline): Uncertain significance. Review status: criteria provided, multiple submitters, no conflicts (2 of 4 stars). 2 submissions from 2 submitters: Uncertain significance (2). Last evaluated 2024-09-16.

Conditions:
Inborn genetic diseases. Identifiers: MedGen C0950123, MeSH D030342.

Allele frequency attached by ClinVar (database versions not stated): gnomAD 0.00002; TOPMed 0.00002.
gnomAD v4.1: 8 of 1,613,998 alleles (0.0005%); highest among the groups gnomAD compares: African/African-American, 0.0027%; no homozygotes.

Submissions (2):

GeneDx
Classification: Uncertain significance. Last evaluated: 2024-09-16. Review status: criteria provided, single submitter. Criteria: GeneDx Variant Classification Process June 2021. Collection method: clinical testing. Allele origin: germline. Affected: yes.
Comment: Not observed at significant frequency in large population cohorts (gnomAD); In silico analysis indicates that this missense variant does not alter protein structure/function; Has not been previously published as pathogenic or benign to our knowledge

Ambry Genetics
Classification: Uncertain significance for Inborn genetic diseases. Last evaluated: 2022-05-01. Review status: criteria provided, single submitter. Criteria: Ambry Variant Classification Scheme 2023. Collection method: clinical testing. Allele origin: germline.
Comment: The p.I2227T variant (also known as c.6680T>C), located in coding exon 45 of the LRRK2 gene, results from a T to C substitution at nucleotide position 6680. The isoleucine at codon 2227 is replaced by threonine, an amino acid with similar properties. This amino acid position is conserved. In addition, this alteration is predicted to be tolerated by in silico analysis. Since supporting evidence is limited at this time, the clinical significance of this alteration remains unclear.